The following is an entry in ClinVar:

NM_005060.4(RORC):c.990C>T (p.Tyr330=)

Gene: RORC (RAR related orphan receptor C; minus strand). Cytogenetic location: 1q21.3.
Variant type: single nucleotide variant.
Coding change: c.990C>T on transcript NM_005060.4 (MANE Select); coding-DNA position 990, C replaced by T.
Protein change: p.Tyr330=; no amino-acid change (tyrosine 330 retained).
Molecular consequence: synonymous variant.
Genome position (GRCh38, 1-based): chr1:151,813,564, G>A on the plus strand (C>T on the coding strand, the complement: RORC is on the minus strand). VCF-style: chr1-151813564-G-A. GRCh37 (hg19) VCF-style: chr1-151786040-G-A.
Other names: c.927C>T, p.Tyr309= (LRG_1322t2, NM_001001523.2); c.990C>T, p.Tyr330= (LRG_1322t1).
Identifiers: ClinVar variation 542379 (VCV000542379.42), dbSNP rs61754474, ClinGen allele CA1095777.

ClinVar aggregate classification (germline): Benign/Likely benign. Review status: criteria provided, multiple submitters, no conflicts (2 of 4 stars). 6 submissions from 6 submitters: Benign (2); Likely benign (2). 2 of the submissions do not count toward it. Last evaluated 2026-02-01.

Conditions:
Autosomal recessive mendelian susceptibility to mycobacterial diseases due to complete RORgamma receptor deficiency. Also called: Immunodeficiency 42. Identifiers: Orphanet 477857, MedGen C5567647, MONDO:0014710, OMIM 616622.

Allele frequency attached by ClinVar (database versions not stated): 1000 Genomes Project 30x 0.00062; 1000 Genomes Project 0.00080; TOPMed 0.00144; ESP Exome Variant Server 0.00169; gnomAD 0.00173 and 0.00185; gnomAD exomes 0.00189 and 0.00228; ExAC 0.00191.
gnomAD v4.1: 3,589 of 1,614,098 alleles (0.22%); highest among the groups gnomAD compares: Non-Finnish European, 0.26%; 3 homozygotes.

Submissions (6):

Labcorp Genetics (formerly Invitae), Labcorp
Classification: Benign for Autosomal recessive mendelian susceptibility to mycobacterial diseases due to complete RORgamma receptor deficiency. Last evaluated: 2026-02-01. Review status: criteria provided, single submitter. Criteria: Invitae Variant Classification Sherloc (09022015). Collection method: clinical testing. Allele origin: germline.

CeGaT Center for Human Genetics Tuebingen
Classification: Likely benign. Last evaluated: 2025-01-01. Review status: criteria provided, single submitter. Criteria: CeGaT Center For Human Genetics Tuebingen Variant Classification Criteria Version 2. Collection method: clinical testing. Allele origin: germline. Affected: yes. Observed: 2 variant alleles.
Comment: RORC: BP4, BP7

Blueprint Genetics
Classification: Likely benign. Last evaluated: 2024-11-25. Review status: criteria provided, single submitter. Criteria: ACMG Guidelines, 2015. Collection method: clinical testing. Allele origin: germline.

Breakthrough Genomics
Classification: Benign. Review status: criteria provided, single submitter. Criteria: ACMG Guidelines, 2015. Collection method: not provided. Allele origin: germline. Inheritance: Autosomal recessive inheritance. Affected: yes.

Clinical Genetics DNA and cytogenetics Diagnostics Lab, Erasmus MC, Erasmus Medical Center
Classification: Likely benign. Review status: no assertion criteria provided. Collection method: clinical testing. Allele origin: germline. Affected: yes. Study: VKGL Data-share Consensus. Not counted in ClinVar's aggregate classification.

Genome Diagnostics Laboratory, University Medical Center Utrecht
Classification: Likely benign. Review status: no assertion criteria provided. Collection method: clinical testing. Allele origin: germline. Affected: yes. Study: VKGL Data-share Consensus. Not counted in ClinVar's aggregate classification.